The following is an entry in ClinVar:

ClinVar aggregate classification (germline): Uncertain significance (1 of 4 stars; one submission).

Conditions:
Familial renal glucosuria (GLYS). Also called: Familial renal glycosuria; RENAL GLUCOSURIA, AUTOSOMAL DOMINANT. Identifiers: Orphanet 69076, MedGen C3245525, MONDO:0009297, OMIM 233100.

Allele frequency attached by ClinVar (database versions not stated): gnomAD exomes below 0.00001; ExAC 0.00002; gnomAD 0.00004; TOPMed 0.00004.
gnomAD v4.1: 14 of 1,613,988 alleles (0.00087%); highest among the groups gnomAD compares: African/African-American, 0.016%; no homozygotes.

Submission:

New York Genome Center
Classification: Uncertain significance for Familial renal glucosuria. Last evaluated: 2023-01-23. Review status: criteria provided, single submitter. Criteria: NYGC Assertion Criteria 2020. Collection method: clinical testing. Allele origin: germline. Observed: 1 heterozygote.
Comment: The c.1792+2T>C splice-site variant in SLC5A2 affects the canonical splice donor site of the last intron (intron 13 of 13) and is predicted to cause abnormal mRNA splicing. The mutant transcript is predicted to escape nonsense-mediated mRNA decay and may translate to a mutant protein lacking the last 75 amino acids compared to the wild type 672-amino-acid protein. Functional consequences of this predicted truncated protein are unclear. This variant has not previously been reported in affected individuals in the literature or ClinVar database. The variant has ~0.00003051 allele frequency (18 out of ~590,000 heterozygous alleles, no homozygotes) in population databases (gnomAD v2.1.1 and v3.1.2, TOPMed Freeze 8), suggesting it is not a common benign variant in the populations represented in those databases. Due to the lack of compelling evidence for its pathogenicity, this c.1792+2T>C splice-site variant identified in the last intron of SLC5A2 is classified as a Variant of Uncertain Significance.

NM_003041.4(SLC5A2):c.1792+2T>C

Genes: RUSF1 (RUS family member 1; minus strand), SLC5A2 (solute carrier family 5 member 2; plus strand). Cytogenetic location: 16p11.2.
Variant type: single nucleotide variant.
Coding change: c.1792+2T>C on transcript NM_003041.4 (MANE Select); the canonical splice donor site of the intron after coding-DNA position 1792, T replaced by C.
Molecular consequence: splice donor variant. On other transcripts: 3 prime UTR variant (1).
Genome position (GRCh38, 1-based): chr16:31,490,232, T>C. VCF-style: chr16-31490232-T-C. GRCh37 (hg19) VCF-style: chr16-31501553-T-C.
Other names: c.*603A>G (NM_022744.4).
Identifiers: ClinVar variation 2584562 (VCV002584562.1), dbSNP rs148186423, ClinGen allele CA8031322.